The following is an entry in ClinVar:

NM_001372076.1(PAX9):c.524C>T (p.Thr175Met)

Gene: PAX9 (paired box 9; plus strand). Cytogenetic location: 14q13.3.
Variant type: single nucleotide variant.
Coding change: c.524C>T on transcript NM_001372076.1 (MANE Select); coding-DNA position 524, C replaced by T.
Protein change: p.Thr175Met; replaces threonine 175 with methionine.
Molecular consequence: missense variant.
Genome position (GRCh38, 1-based): chr14:36,663,416, C>T. VCF-style: chr14-36663416-C-T. GRCh37 (hg19) VCF-style: chr14-37132621-C-T.
Other names: c.524C>T, p.Thr175Met (NM_006194.4); short protein forms T175M.
Identifiers: ClinVar variation 313169 (VCV000313169.8), dbSNP rs370909756, ClinGen allele CA7158984.

ClinVar aggregate classification (germline): Uncertain significance. Review status: criteria provided, multiple submitters, no conflicts (2 of 4 stars). 2 submissions from 2 submitters: Uncertain significance (2). Last evaluated 2023-12-21.

Conditions:
Hypodontia. Also called: Partial congenital absence of teeth; Tooth agenesis, selective. Identifiers: Orphanet 99798, MedGen C0020608, MONDO:0005486, HP:0000668. Disease mechanism: loss of function.
Tooth agenesis, selective, 3 (STHAG3). Also called: HYPODONTIA/OLIGODONTIA 3. Identifiers: Orphanet 99798, MedGen C1970291, MONDO:0011477, OMIM 604625. Disease mechanism: loss of function.

Allele frequency attached by ClinVar (database versions not stated): ExAC 0.00001; gnomAD 0.00001; TOPMed 0.00001; ESP Exome Variant Server 0.00008.
gnomAD v4.1: 11 of 1,613,018 alleles (0.00068%); highest among the groups gnomAD compares: African/African-American, 0.0013%; no homozygotes.

Submissions (2):

Labcorp Genetics (formerly Invitae), Labcorp
Classification: Uncertain significance for Hypodontia. Last evaluated: 2023-12-21. Review status: criteria provided, single submitter. Criteria: Invitae Variant Classification Sherloc (09022015). Collection method: clinical testing. Allele origin: germline.
Comment: This sequence change replaces threonine, which is neutral and polar, with methionine, which is neutral and non-polar, at codon 175 of the PAX9 protein (p.Thr175Met). This variant is present in population databases (rs370909756, gnomAD 0.0009%). This variant has not been reported in the literature in individuals affected with PAX9-related conditions. ClinVar contains an entry for this variant (Variation ID: 313169). Advanced modeling of protein sequence and biophysical properties (such as structural, functional, and spatial information, amino acid conservation, physicochemical variation, residue mobility, and thermodynamic stability) performed at Invitae indicates that this missense variant is not expected to disrupt PAX9 protein function with a negative predictive value of 80%. In summary, the available evidence is currently insufficient to determine the role of this variant in disease. Therefore, it has been classified as a Variant of Uncertain Significance.

Illumina Laboratory Services, Illumina
Classification: Uncertain significance for Tooth agenesis, selective, 3. Last evaluated: 2018-01-12. Review status: criteria provided, single submitter. Criteria: ICSL Variant Classification Criteria 13 December 2019. Collection method: clinical testing. Allele origin: germline.